The following is an entry in ClinVar:

NM_001080517.3(SETD5):c.2764T>C (p.Tyr922His)

Gene: SETD5 (SET domain containing 5; plus strand). Cytogenetic location: 3p25.3.
Variant type: single nucleotide variant.
Coding change: c.2764T>C on transcript NM_001080517.3 (MANE Select); coding-DNA position 2764, T replaced by C.
Protein change: p.Tyr922His; replaces tyrosine 922 with histidine.
Molecular consequence: missense variant.
Genome position (GRCh38, 1-based): chr3:9,470,498, T>C. VCF-style: chr3-9470498-T-C. GRCh37 (hg19) VCF-style: chr3-9512182-T-C.
Other names: c.2470T>C, p.Tyr824His (NM_001292043.2, NM_001349451.2); short protein forms Y824H, Y922H.
Identifiers: ClinVar variation 3003709 (VCV003003709.4), dbSNP rs774713765, ClinGen allele CA2239550.

ClinVar aggregate classification (germline): Uncertain significance. Review status: criteria provided, multiple submitters, no conflicts (2 of 4 stars). 2 submissions from 2 submitters: Uncertain significance (2). Last evaluated 2025-03-31.

Allele frequency attached by ClinVar (database versions not stated): TOPMed below 0.00001; ExAC 0.00001; gnomAD 0.00001; gnomAD exomes 0.00001.
gnomAD v4.1: 5 of 1,613,506 alleles (0.00031%); highest among the groups gnomAD compares: Admixed American, 0.0033%; no homozygotes.

Submissions (2):

Women's Health and Genetics/Laboratory Corporation of America, LabCorp
Classification: Uncertain significance. Last evaluated: 2025-03-31. Review status: criteria provided, single submitter. Criteria: LabCorp Variant Classification Summary - May 2015. Collection method: clinical testing. Allele origin: germline.
Comment: Variant summary: SETD5 c.2764T>C (p.Tyr922His) results in a conservative amino acid change in the encoded protein sequence. Four of five in-silico tools predict a benign effect of the variant on protein function. The variant allele was found at a frequency of 8e-06 in 248872 control chromosomes. The available data on variant occurrences in the general population are insufficient to allow any conclusion about variant significance. To our knowledge, no occurrence of c.2764T>C in individuals affected with Mental Retardation, Autosomal Dominant 23 and no experimental evidence demonstrating its impact on protein function have been reported. ClinVar contains an entry for this variant (Variation ID: 3003709). Based on the evidence outlined above, the variant was classified as uncertain significance.

Labcorp Genetics (formerly Invitae), Labcorp
Classification: Uncertain significance. Last evaluated: 2025-03-24. Review status: criteria provided, single submitter. Criteria: Invitae Variant Classification Sherloc (09022015). Collection method: clinical testing. Allele origin: germline.
Comment: This sequence change replaces tyrosine, which is neutral and polar, with histidine, which is basic and polar, at codon 922 of the SETD5 protein (p.Tyr922His). This variant is present in population databases (rs774713765, gnomAD 0.003%). This variant has not been reported in the literature in individuals affected with SETD5-related conditions. ClinVar contains an entry for this variant (Variation ID: 3003709). Invitae Evidence Modeling of protein sequence and biophysical properties (such as structural, functional, and spatial information, amino acid conservation, physicochemical variation, residue mobility, and thermodynamic stability) indicates that this missense variant is not expected to disrupt SETD5 protein function with a negative predictive value of 80%. In summary, the available evidence is currently insufficient to determine the role of this variant in disease. Therefore, it has been classified as a Variant of Uncertain Significance.